The following is an entry in ClinVar:

ClinVar aggregate classification (germline): Likely benign (0 of 4 stars; one submission).

Conditions:
FOXD1-related disorder. Also called: FOXD1-related condition.

Submission:

PreventionGenetics, part of Exact Sciences
Classification: Likely benign for FOXD1-related condition. Last evaluated: 2022-12-05. Review status: no assertion criteria provided. Collection method: clinical testing. Allele origin: germline.
Comment: This variant is classified as likely benign based on ACMG/AMP sequence variant interpretation guidelines (Richards et al. 2015 PMID: 25741868, with internal and published modifications).

NM_004472.3(FOXD1):c.744G>T (p.Ala248=)

Gene: FOXD1 (forkhead box D1; minus strand). Cytogenetic location: 5q13.2.
Variant type: single nucleotide variant.
Coding change: c.744G>T on transcript NM_004472.3 (MANE Select); coding-DNA position 744, G replaced by T.
Protein change: p.Ala248=; no amino-acid change (alanine 248 retained).
Molecular consequence: synonymous variant.
Genome position (GRCh38, 1-based): chr5:73,447,619, C>A on the plus strand (G>T on the coding strand, the complement: FOXD1 is on the minus strand). VCF-style: chr5-73447619-C-A. GRCh37 (hg19) VCF-style: chr5-72743444-C-A.
Identifiers: ClinVar variation 3032563 (VCV003032563.2), dbSNP rs921299597, ClinGen allele CA445096191.